The following is an entry in ClinVar:

ClinVar aggregate classification (germline): Pathogenic. Review status: criteria provided, multiple submitters, no conflicts (2 of 4 stars). 3 submissions from 3 submitters: Pathogenic (2). 1 of the submissions does not count toward it. Last evaluated 2025-08-08.

Conditions:
Marfan syndrome (MFS). Also called: Marfan syndrome type 1; Marfan syndrome, classic; Marfan's syndrome; FBN1-Related Marfan Syndrome; MARFAN SYNDROME, TYPE I. Identifiers: Orphanet 284963, Orphanet 558, MedGen C0024796, MONDO:0007947, OMIM 154700.

Submissions (3):

Center for Genomics, Ann and Robert H. Lurie Children's Hospital of Chicago
Classification: Pathogenic for Marfan syndrome. Last evaluated: 2025-08-08. Review status: criteria provided, single submitter. Criteria: Drackley et al. (Genome Med. 2024). Collection method: clinical testing. Allele origin: germline. Inheritance: Autosomal dominant inheritance. Observed: 1 heterozygote.
Comment: This variant has been identified in the literature in an individual meeting clinical diagnostic criteria for Marfan syndrome (MFS), segregating with MFS in an affected sibling (Baetens 2011 PMID: 21542060; Meester 2022 PMID: 35058154). It is absent from gnomAD and has been submitted to ClinVar (Variation ID: 549369). This deletion of 11 nucleotides is expected to alter the reading frame and introduce a premature stop codon 19 codons downstream from this position, resulting in protein truncation or loss of expression from this allele through nonsense-mediated mRNA decay. Haploinsufficiency is a known mechanism of disease for this gene (Faivre 2007 PMID: 17701892). In summary, this variant is classified as pathogenic.

Centre of Medical Genetics, University of Antwerp
Classification: Pathogenic for Marfan syndrome. Last evaluated: 2021-03-01. Review status: criteria provided, single submitter. Criteria: Submitter's publication. Collection method: research. Allele origin: unknown. Affected: yes. Observed: 2 variant alleles.
Comment: PM2, PVS1, PP1, PP4

Center for Medical Genetics Ghent, University of Ghent
Classification: Pathogenic for Marfan syndrome. Last evaluated: 2017-11-07. Review status: no assertion criteria provided. Collection method: clinical testing. Allele origin: germline. Affected: yes. Not counted in ClinVar's aggregate classification.

Literature cited by the submitters: PubMed 21542060 (cited by Center for Genomics, Ann and Robert H. Lurie Children's Hospital of Chicago); PubMed 35058154 (cited by Center for Genomics, Ann and Robert H. Lurie Children's Hospital of Chicago); PubMed 17701892 (cited by Center for Genomics, Ann and Robert H. Lurie Children's Hospital of Chicago).

NM_000138.5(FBN1):c.680_690del (p.Gln227fs)

Gene: FBN1 (fibrillin 1; minus strand). Cytogenetic location: 15q21.1.
Variant type: Deletion.
Coding change: c.680_690del on transcript NM_000138.5 (MANE Select); coding-DNA positions 680 to 690, 11 bases deleted (AGCCTCACCCC).
Protein change: p.Gln227fs; shifts the reading frame from glutamine 227.
Molecular consequence: frameshift variant.
Genome position (GRCh38, 1-based): chr15:48,537,657-48,537,667, GGGGTGAGGCT deleted on the plus strand (AGCCTCACCCC on the coding strand, the reverse complement: FBN1 is on the minus strand); deleting any 11 consecutive bases within chr15:48,537,657-48,537,670 gives the same sequence; the c. name uses the placement nearest the transcript's 3' end. VCF-style (leftmost placement, unchanged base first): chr15-48537656-AGGGGTGAGGCT-A. GRCh37 (hg19) VCF-style: chr15-48829853-AGGGGTGAGGCT-A.
Other names: short protein forms Q227fs.
Identifiers: ClinVar variation 549369 (VCV000549369.19), dbSNP rs1555401671, ClinGen allele CA658824884.